The following is an entry in ClinVar:

NM_006280.3(SSR4):c.352-13A>G

Gene: SSR4 (signal sequence receptor subunit 4; plus strand). Cytogenetic location: Xq28.
Variant type: single nucleotide variant.
Coding change: c.352-13A>G on transcript NM_006280.3 (MANE Select); 13 bases into the intron before coding-DNA position 352, A replaced by G.
Molecular consequence: intron variant.
Genome position (GRCh38, 1-based): chrX:153,798,058, A>G. VCF-style: chrX-153798058-A-G. GRCh37 (hg19) VCF-style: chrX-153063513-A-G.
Other names: c.352-13A>G (NM_001440796.1); c.433-13A>G (NM_001440795.1); c.376-13A>G (NM_001204527.2); c.385-13A>G (NM_001204526.2).
Identifiers: ClinVar variation 517953 (VCV000517953.10), dbSNP rs199582237, ClinGen allele CA10553353.
Genomic context (GRCh38, chrX:153,798,058, plus strand): 5'-TTTCCCCTCCCCTCCCCACCCCCACACGCCAGGCACCCCTGACCCCAGCACCTCCCTTGC[A>G]CCTCCCTTGCAGGCTCAGAGGAATAACGAGGACATTTCCATCATCCCGCCTCTGTTTACA-3'

ClinVar aggregate classification (germline): Benign/Likely benign. Review status: criteria provided, multiple submitters, no conflicts (2 of 4 stars). 4 submissions from 4 submitters: Benign (1); Likely benign (3). Last evaluated 2026-01-05.

Allele frequency attached by ClinVar (database versions not stated): TOPMed 0.00081; ESP Exome Variant Server 0.00085; ExAC 0.00111; gnomAD exomes 0.00114 and 0.00138; gnomAD 0.00389.

Submissions (4):

Labcorp Genetics (formerly Invitae), Labcorp
Classification: Benign. Last evaluated: 2026-01-05. Review status: criteria provided, single submitter. Criteria: Invitae Variant Classification Sherloc (09022015). Collection method: clinical testing. Allele origin: germline.

Blueprint Genetics
Classification: Likely benign. Last evaluated: 2024-11-21. Review status: criteria provided, single submitter. Criteria: ACMG Guidelines, 2015. Collection method: clinical testing. Allele origin: germline.

GeneDx
Classification: Likely benign. Last evaluated: 2017-06-20. Review status: criteria provided, single submitter. Criteria: GeneDx Variant Classification (06012015). Collection method: clinical testing. Allele origin: germline. Affected: yes.
Comment: This variant is considered likely benign or benign based on one or more of the following criteria: it is a conservative change, it occurs at a poorly conserved position in the protein, it is predicted to be benign by multiple in silico algorithms, and/or has population frequency not consistent with disease.

Breakthrough Genomics
Classification: Likely benign. Review status: criteria provided, single submitter. Criteria: ACMG Guidelines, 2015. Collection method: not provided. Allele origin: germline. Inheritance: X-linked inheritance. Affected: yes.